The following is an entry in ClinVar:

NM_198576.4(AGRN):c.3632-1G>A

Gene: AGRN (agrin; plus strand). Cytogenetic location: 1p36.33.
Variant type: single nucleotide variant.
Coding change: c.3632-1G>A on transcript NM_198576.4 (MANE Select); the canonical splice acceptor site of the intron before coding-DNA position 3632, G replaced by A.
Molecular consequence: splice acceptor variant.
Genome position (GRCh38, 1-based): chr1:1,047,775, G>A. VCF-style: chr1-1047775-G-A. GRCh37 (hg19) VCF-style: chr1-983155-G-A.
Other names: c.3632-1G>A (NM_001305275.2); c.3317-1G>A (NM_001364727.2).
Identifiers: ClinVar variation 3383070 (VCV003383070.2).

ClinVar aggregate classification (germline): Uncertain significance (1 of 4 stars; one submission).

Conditions:
Congenital myasthenic syndrome 8. Also called: Myasthenic syndrome, congenital, 8, with pre- and postsynaptic defects; MYASTHENIC SYNDROME, CONGENITAL, DUE TO AGRIN DEFICIENCY. Identifiers: Orphanet 590, MedGen C3808739, MONDO:0014052, OMIM 615120.

gnomAD v4.1: 3 of 1,608,610 alleles (0.00019%); no homozygotes.

Submission:

Juno Genomics, Hangzhou Juno Genomics, Inc
Classification: Uncertain significance for Congenital myasthenic syndrome 8. Review status: criteria provided, single submitter. Criteria: ACMG Guidelines, 2015. Collection method: clinical testing. Allele origin: germline. Affected: yes.
Comment: Null variant in a gene where loss of function (LOF) is a known mechanism of disease.;Absent from controls (or at extremely low frequency if recessive) in Genome Aggregation Database, Exome Sequencing Project, 1000 Genomes Project, or Exome Aggregation Consortium.;For recessive disorders, detected in trans with a pathogenic variant.;Patient's phenotype or family history is highly specific for a disease with a single genetic etiology.